The following is an entry in ClinVar:

NM_021615.5(CHST6):c.1099C>G (p.Gln367Glu)

Gene: CHST6 (carbohydrate sulfotransferase 6; minus strand). Cytogenetic location: 16q23.1.
Variant type: single nucleotide variant.
Coding change: c.1099C>G on transcript NM_021615.5 (MANE Select); coding-DNA position 1099, C replaced by G.
Protein change: p.Gln367Glu; replaces glutamine 367 with glutamic acid.
Molecular consequence: missense variant.
Genome position (GRCh38, 1-based): chr16:75,478,730, G>C on the plus strand (C>G on the coding strand, the complement: CHST6 is on the minus strand). VCF-style: chr16-75478730-G-C. GRCh37 (hg19) VCF-style: chr16-75512628-G-C.
Other names: short protein forms Q367E.
Identifiers: ClinVar variation 1469231 (VCV001469231.8), dbSNP rs751005101, ClinGen allele CA8175290.

ClinVar aggregate classification (germline): Uncertain significance (1 of 4 stars; one submission).

Conditions:
Macular corneal dystrophy (MCD). Also called: Macular corneal dystrophy Type I; GROENOUW TYPE II CORNEAL DYSTROPHY. Identifiers: Orphanet 98969, MedGen C1636149, MONDO:0009020, OMIM 217800.

Allele frequency attached by ClinVar (database versions not stated): ExAC 0.00001; gnomAD 0.00001; gnomAD exomes 0.00001 and 0.00002; TOPMed 0.00001.
gnomAD v4.1: 17 of 1,613,440 alleles (0.0011%); highest among the groups gnomAD compares: Middle Eastern, 0.016%; no homozygotes.

Submission:

Labcorp Genetics (formerly Invitae), Labcorp
Classification: Uncertain significance for Macular corneal dystrophy. Last evaluated: 2022-07-12. Review status: criteria provided, single submitter. Criteria: Invitae Variant Classification Sherloc (09022015). Collection method: clinical testing. Allele origin: germline.
Comment: This variant has not been reported in the literature in individuals affected with CHST6-related conditions. ClinVar contains an entry for this variant (Variation ID: 1469231). Algorithms developed to predict the effect of missense changes on protein structure and function are either unavailable or do not agree on the potential impact of this missense change (SIFT: "Tolerated"; PolyPhen-2: "Possibly Damaging"; Align-GVGD: "Class C0"). In summary, the available evidence is currently insufficient to determine the role of this variant in disease. Therefore, it has been classified as a Variant of Uncertain Significance. This sequence change replaces glutamine, which is neutral and polar, with glutamic acid, which is acidic and polar, at codon 367 of the CHST6 protein (p.Gln367Glu). This variant is present in population databases (rs751005101, gnomAD 0.01%).